The following is an entry in ClinVar:

ClinVar aggregate classification (germline): Uncertain significance (1 of 4 stars; one submission).

Conditions:
Glanzmann thrombasthenia. Also called: BLEEDING DISORDER, PLATELET-TYPE, 2; THROMBASTHENIA OF GLANZMANN AND NAEGELI; PLATELET GLYCOPROTEIN IIb-IIIa DEFICIENCY; Thrombasthenia; Glanzmann's thrombasthenia. Identifiers: Orphanet 849, MedGen C0040015, MONDO:0100326.

Submission:

Labcorp Genetics (formerly Invitae), Labcorp
Classification: Uncertain significance for Glanzmann thrombasthenia. Last evaluated: 2024-10-19. Review status: criteria provided, single submitter. Criteria: Invitae Variant Classification Sherloc (09022015). Collection method: clinical testing. Allele origin: germline.
Comment: This sequence change falls in intron 26 of the ITGA2B gene. It does not directly change the encoded amino acid sequence of the ITGA2B protein. It affects a nucleotide within the consensus splice site. This variant is not present in population databases (gnomAD no frequency). This variant has not been reported in the literature in individuals affected with ITGA2B-related conditions. Variants that disrupt the consensus splice site are a relatively common cause of aberrant splicing (PMID: 17576681, 9536098). Algorithms developed to predict the effect of sequence changes on RNA splicing suggest that this variant is not likely to affect RNA splicing. In summary, the available evidence is currently insufficient to determine the role of this variant in disease. Therefore, it has been classified as a Variant of Uncertain Significance.

Literature cited by the submitters: PubMed 17576681; PubMed 9536098.

NM_000419.5(ITGA2B):c.2728-3C>T

Gene: ITGA2B (integrin subunit alpha 2b; minus strand). Cytogenetic location: 17q21.31.
Variant type: single nucleotide variant.
Coding change: c.2728-3C>T on transcript NM_000419.5 (MANE Select); 3 bases into the intron before coding-DNA position 2728, C replaced by T.
Molecular consequence: intron variant.
Genome position (GRCh38, 1-based): chr17:44,375,114, G>A on the plus strand (C>T on the coding strand, the complement: ITGA2B is on the minus strand). VCF-style: chr17-44375114-G-A. GRCh37 (hg19) VCF-style: chr17-42452482-G-A.
Identifiers: ClinVar variation 3625450 (VCV003625450.2).